The following is an entry in ClinVar:

NM_001297.5(CNGB1):c.2130G>C (p.Gln710His)

Gene: CNGB1 (cyclic nucleotide gated channel subunit beta 1; minus strand). Cytogenetic location: 16q21.
Variant type: single nucleotide variant.
Coding change: c.2130G>C on transcript NM_001297.5 (MANE Select); coding-DNA position 2130, G replaced by C.
Protein change: p.Gln710His; replaces glutamine 710 with histidine.
Molecular consequence: missense variant.
Genome position (GRCh38, 1-based): chr16:57,917,304, C>G on the plus strand (G>C on the coding strand, the complement: CNGB1 is on the minus strand). VCF-style: chr16-57917304-C-G. GRCh37 (hg19) VCF-style: chr16-57951208-C-G.
Other names: c.2112G>C, p.Gln704His (NM_001286130.2); c.2130G>C (NM_001297.4); short protein forms Q710H, Q704H.
Identifiers: ClinVar variation 1372781 (VCV001372781.5), dbSNP rs753640703, ClinGen allele CA8083170.
Genomic context (GRCh38, chr16:57,917,304, plus strand): 5'-CAACACCACCTGCCTGTGACTCACAATGATGTCCCCGCCTCTGACAAACTGCAGGCGTGT[C>G]TGGAACACGGTGATGTCCAGGAAGTAGATGAGGTCGCATAGGTAATCCATCAGCAGCCAG-3'
Protein context (NP_001288.3, residues 700-720): LIYFLDITVF[Gln710His]TRLQFVRGGD

ClinVar aggregate classification (germline): Uncertain significance. Review status: criteria provided, multiple submitters, no conflicts (2 of 4 stars). 3 submissions from 3 submitters: Uncertain significance (3). Last evaluated 2026-01-02.

Conditions:
CNGB1-related disorder. Also called: CNGB1-related condition.

Allele frequency attached by ClinVar (database versions not stated): gnomAD 0.00001; gnomAD exomes 0.00002; ExAC 0.00001.
gnomAD v4.1: 8 of 1,614,010 alleles (0.0005%); highest among the groups gnomAD compares: Admixed American, 0.013%; no homozygotes.

Submissions (3):

PreventionGenetics, part of Exact Sciences
Classification: Uncertain significance for CNGB1-related condition. Last evaluated: 2026-01-02. Review status: criteria provided, single submitter. Criteria: ACMG Guidelines, 2015. Collection method: clinical testing. Allele origin: germline.
Comment: The CNGB1 c.2130G>C variant is predicted to result in the amino acid substitution p.Gln710His. To our knowledge, this variant has not been reported in the literature. This variant is reported in 0.014% of alleles in individuals of Latino descent in gnomAD. At this time, the clinical significance of this variant is uncertain due to the absence of conclusive functional and genetic evidence.

Blueprint Genetics
Classification: Uncertain significance. Last evaluated: 2021-09-29. Review status: criteria provided, single submitter. Criteria: ACMG Guidelines, 2015. Collection method: clinical testing. Allele origin: germline.

Labcorp Genetics (formerly Invitae), Labcorp
Classification: Uncertain significance. Last evaluated: 2021-09-16. Review status: criteria provided, single submitter. Criteria: Invitae Variant Classification Sherloc (09022015). Collection method: clinical testing. Allele origin: germline.
Comment: This sequence change replaces glutamine with histidine at codon 710 of the CNGB1 protein (p.Gln710His). The glutamine residue is moderately conserved and there is a small physicochemical difference between glutamine and histidine. This variant is present in population databases (rs753640703, ExAC 0.009%). This variant has not been reported in the literature in individuals affected with CNGB1-related conditions. Algorithms developed to predict the effect of missense changes on protein structure and function are either unavailable or do not agree on the potential impact of this missense change (SIFT: "Deleterious"; PolyPhen-2: "Possibly Damaging"; Align-GVGD: "Class C0"). In summary, the available evidence is currently insufficient to determine the role of this variant in disease. Therefore, it has been classified as a Variant of Uncertain Significance.